The following is an entry in ClinVar:

ClinVar aggregate classification (germline): Uncertain significance. Review status: criteria provided, multiple submitters, no conflicts (2 of 4 stars). 2 submissions from 2 submitters: Uncertain significance (2). Last evaluated 2024-10-29.

Conditions:
Inborn genetic diseases. Identifiers: MedGen C0950123, MeSH D030342.

Submissions (2):

Labcorp Genetics (formerly Invitae), Labcorp
Classification: Uncertain significance. Last evaluated: 2024-10-29. Review status: criteria provided, single submitter. Criteria: Invitae Variant Classification Sherloc (09022015). Collection method: clinical testing. Allele origin: germline.
Comment: This sequence change replaces arginine, which is basic and polar, with cysteine, which is neutral and slightly polar, at codon 323 of the COL9A3 protein (p.Arg323Cys). This variant is present in population databases (no rsID available, gnomAD 0.003%). This variant has not been reported in the literature in individuals affected with COL9A3-related conditions. ClinVar contains an entry for this variant (Variation ID: 1956113). Invitae Evidence Modeling of protein sequence and biophysical properties (such as structural, functional, and spatial information, amino acid conservation, physicochemical variation, residue mobility, and thermodynamic stability) indicates that this missense variant is not expected to disrupt COL9A3 protein function with a negative predictive value of 95%. In summary, the available evidence is currently insufficient to determine the role of this variant in disease. Therefore, it has been classified as a Variant of Uncertain Significance.

Ambry Genetics
Classification: Uncertain significance for Inborn genetic diseases. Last evaluated: 2021-12-03. Review status: criteria provided, single submitter. Criteria: Ambry Variant Classification Scheme 2023. Collection method: clinical testing. Allele origin: germline.

NM_001853.4(COL9A3):c.967C>T (p.Arg323Cys)

Gene: COL9A3 (collagen type IX alpha 3 chain; plus strand). Cytogenetic location: 20q13.33.
Variant type: single nucleotide variant.
Coding change: c.967C>T on transcript NM_001853.4 (MANE Select); coding-DNA position 967, C replaced by T.
Protein change: p.Arg323Cys; replaces arginine 323 with cysteine.
Molecular consequence: missense variant.
Genome position (GRCh38, 1-based): chr20:62,828,935, C>T. VCF-style: chr20-62828935-C-T. GRCh37 (hg19) VCF-style: chr20-61460287-C-T.
Other names: short protein forms R323C.
Identifiers: ClinVar variation 1956113 (VCV001956113.6), dbSNP rs1412505349, ClinGen allele CA409593160.
Genomic context (GRCh38, chr20:62,828,935, plus strand): 5'-CCCGAGGCCTCAGCCTCCCCTTCCGCACCCCAATCTCTGTCCTCACAGGGAGAGGCTGGT[C>T]GCAACGGTGCTCCGGGAGAGAAGGGCCCCAACGGGCTGCCGGTGAGTGCCCGGCGGGTGG-3'
Protein context (NP_001844.3, residues 313-333): GLDGQKGEAG[Arg323Cys]NGAPGEKGPN